The following is an entry in ClinVar:

ClinVar aggregate classification (germline): Conflicting classifications of pathogenicity. Review status: criteria provided, conflicting classifications (1 of 4 stars). 9 submissions from 9 submitters: Uncertain significance (1); Benign (1); Likely benign (7). Last evaluated 2026-08-01.

Conditions:
PLEC-related disorder. Also called: PLEC-related disorders; PLEC-related condition.
Autosomal recessive limb-girdle muscular dystrophy type 2Q (LGMDR17). Also called: MUSCULAR DYSTROPHY, LIMB-GIRDLE, AUTOSOMAL RECESSIVE 17. Identifiers: Orphanet 254361, MedGen C3150989, MONDO:0013390, OMIM 613723.
Epidermolysis bullosa simplex 5C, with pyloric atresia (EBS5C). Also called: PLEC-Related Epidermolysis Bullosa with Pyloric Atresia; Epidermolysis bullosa simplex with pyloric atresia; PLEC1-Related Epidermolysis Bullosa with Pyloric Atresia. Identifiers: Orphanet 158684, MedGen C2677349, MONDO:0012807, OMIM 612138.
Epidermolysis bullosa simplex, Ogna type (EBS5A). Also called: Pidermolysis bullosa simplex 5A, Ogna type; EPIDERMOLYSIS BULLOSA SIMPLEX 5A, OGNA TYPE. Identifiers: Orphanet 79401, MedGen C0432317, MONDO:0007555, OMIM 131950.
Epidermolysis bullosa simplex with nail dystrophy (EBS5D). Identifiers: MedGen C4225309, MONDO:0014661, OMIM 616487.
Epidermolysis bullosa simplex 5B, with muscular dystrophy (EBS5B). Also called: EPIDERMOLYSIS BULLOSA SIMPLEX AND LIMB-GIRDLE MUSCULAR DYSTROPHY; Epidermolysis bullosa simplex with muscular dystrophy. Identifiers: Orphanet 257, MedGen C2931072, MONDO:0009181, OMIM 226670.

Allele frequency attached by ClinVar (database versions not stated): TOPMed 0.00014; 1000 Genomes Project 30x 0.00016; 1000 Genomes Project 0.00020; ESP Exome Variant Server 0.00024; gnomAD 0.00039 and 0.00043; ExAC 0.00047.
gnomAD v4.1: 448 of 1,612,908 alleles (0.028%); highest among the groups gnomAD compares: Non-Finnish European, 0.024%; 1 homozygote.

Submissions (9):

CeGaT Center for Human Genetics Tuebingen
Classification: Likely benign. Last evaluated: 2026-08-01. Review status: criteria provided, single submitter. Criteria: CeGaT Center For Human Genetics Tuebingen Variant Classification Criteria Version 2. Collection method: clinical testing. Allele origin: germline. Affected: yes. Observed: 6 variant alleles.
Comment: PLEC: BP4, BP7

PreventionGenetics, part of Exact Sciences
Classification: Likely benign for PLEC-related condition. Last evaluated: 2026-03-27. Review status: criteria provided, single submitter. Criteria: ACMG Guidelines, 2015. Collection method: clinical testing. Allele origin: germline.
Comment: This variant is classified as likely benign based on ACMG/AMP sequence variant interpretation guidelines (Richards et al. 2015 PMID: 25741868, with internal and published modifications).

Labcorp Genetics (formerly Invitae), Labcorp
Classification: Likely benign for Autosomal recessive limb-girdle muscular dystrophy type 2Q; Epidermolysis bullosa simplex, Ogna type; Epidermolysis bullosa simplex with nail dystrophy; Epidermolysis bullosa simplex 5C, with pyloric atresia; Epidermolysis bullosa simplex 5B, with muscular dystrophy. Last evaluated: 2026-01-05. Review status: criteria provided, single submitter. Criteria: Invitae Variant Classification Sherloc (09022015). Collection method: clinical testing. Allele origin: germline.

Women's Health and Genetics/Laboratory Corporation of America, LabCorp
Classification: Likely benign. Last evaluated: 2025-12-09. Review status: criteria provided, single submitter. Criteria: LabCorp Variant Classification Summary - May 2015. Collection method: clinical testing. Allele origin: germline.

Blueprint Genetics
Classification: Likely benign. Last evaluated: 2024-11-07. Review status: criteria provided, single submitter. Criteria: ACMG Guidelines, 2015. Collection method: clinical testing. Allele origin: germline.

Athena Diagnostics
Classification: Benign. Last evaluated: 2024-07-05. Review status: criteria provided, single submitter. Criteria: Athena Diagnostics Criteria. Collection method: clinical testing. Allele origin: unknown.

GeneDx
Classification: Likely benign. Last evaluated: 2019-03-15. Review status: criteria provided, single submitter. Criteria: GeneDx Variant Classification Process June 2021. Collection method: clinical testing. Allele origin: germline. Affected: yes.

Eurofins Ntd Llc (ga)
Classification: Uncertain significance. Last evaluated: 2016-09-19. Review status: criteria provided, single submitter. Criteria: EGL Classification Definitions 2015. Collection method: clinical testing. Allele origin: germline. Observed: 4 variant alleles, 4 heterozygotes.

Genetic Services Laboratory, University of Chicago
Classification: Likely benign for AllHighlyPenetrant. Last evaluated: 2013-08-23. Review status: criteria provided, single submitter. Criteria: ACMG Guidelines, 2007. Collection method: clinical testing. Allele origin: germline. Inheritance: Autosomal recessive inheritance.

NM_201384.3(PLEC):c.12615C>T (p.Ile4205=)

Gene: PLEC (plectin; minus strand). Cytogenetic location: 8q24.3.
Variant type: single nucleotide variant.
Coding change: c.12615C>T on transcript NM_201384.3 (MANE Select); coding-DNA position 12615, C replaced by T.
Protein change: p.Ile4205=; no amino-acid change (isoleucine 4205 retained).
Molecular consequence: synonymous variant.
Genome position (GRCh38, 1-based): chr8:143,917,206, G>A on the plus strand (C>T on the coding strand, the complement: PLEC is on the minus strand). VCF-style: chr8-143917206-G-A. GRCh37 (hg19) VCF-style: chr8-144991374-G-A.
Other names: c.12696C>T, p.Ile4232= (NM_000445.5); c.12573C>T, p.Ile4191= (NM_201378.4); c.12549C>T, p.Ile4183= (NM_201379.3); c.13026C>T, p.Ile4342= (NM_201380.4); c.12519C>T, p.Ile4173= (NM_201381.3); c.12615C>T, p.Ile4205= (NM_201382.4); c.12627C>T, p.Ile4209= (NM_201383.3).
Identifiers: ClinVar variation 129930 (VCV000129930.51), dbSNP rs202116866, ClinGen allele CA154407.